The following is an entry in ClinVar:

ClinVar aggregate classification (germline): Uncertain significance (1 of 4 stars; one submission).

gnomAD v4.1: 5 of 1,613,916 alleles (0.00031%); highest among the groups gnomAD compares: East Asian, 0.0067%; no homozygotes.

Submission:

Labcorp Genetics (formerly Invitae), Labcorp
Classification: Uncertain significance. Last evaluated: 2025-10-22. Review status: criteria provided, single submitter. Criteria: Invitae Variant Classification Sherloc (09022015). Collection method: clinical testing. Allele origin: germline.
Comment: This sequence change replaces glutamine, which is neutral and polar, with arginine, which is basic and polar, at codon 223 of the THPO protein (p.Gln223Arg). This variant is present in population databases (rs755579168, gnomAD 0.006%). This variant has not been reported in the literature in individuals affected with THPO-related conditions. An algorithm developed to predict the effect of missense changes on protein structure and function outputs the following: PolyPhen-2: "Benign". The arginine amino acid residue is found in multiple mammalian species, which suggests that this missense change does not adversely affect protein function. In summary, the available evidence is currently insufficient to determine the role of this variant in disease. Therefore, it has been classified as a Variant of Uncertain Significance.

NM_000460.4(THPO):c.668A>G (p.Gln223Arg)

Gene: THPO (thrombopoietin; minus strand). Cytogenetic location: 3q27.1.
Variant type: single nucleotide variant.
Coding change: c.668A>G on transcript NM_000460.4 (MANE Select); coding-DNA position 668, A replaced by G.
Protein change: p.Gln223Arg; replaces glutamine 223 with arginine.
Molecular consequence: missense variant. On other transcripts: synonymous variant (4).
Genome position (GRCh38, 1-based): chr3:184,372,907, T>C on the plus strand (A>G on the coding strand, the complement: THPO is on the minus strand). VCF-style: chr3-184372907-T-C. GRCh37 (hg19) VCF-style: chr3-184090695-T-C.
Other names: c.656A>G, p.Gln219Arg (NM_001177597.2, NM_001290022.1); c.651A>G, p.Ala217= (NM_001177598.2, NM_001290026.1); c.552A>G, p.Ala184= (NM_001289997.1, NM_001290027.1); c.668A>G, p.Gln223Arg (NM_001289998.1, NM_001290028.1); c.1088A>G, p.Gln363Arg (NM_001290003.1); short protein forms Q363R, Q223R, Q219R.
Identifiers: ClinVar variation 4704126 (VCV004704126.1).